The following is an entry in ClinVar:

NM_001458.5(FLNC):c.6280G>A (p.Gly2094Arg)

Genes: FLNC-AS1 (FLNC antisense RNA 1; minus strand), FLNC (filamin C; plus strand). Cytogenetic location: 7q32.1.
Variant type: single nucleotide variant.
Coding change: c.6280G>A on transcript NM_001458.5 (MANE Select); coding-DNA position 6280, G replaced by A.
Protein change: p.Gly2094Arg; replaces glycine 2094 with arginine.
Molecular consequence: missense variant.
Genome position (GRCh38, 1-based): chr7:128,853,540, G>A. VCF-style: chr7-128853540-G-A. GRCh37 (hg19) VCF-style: chr7-128493594-G-A.
Other names: c.6181G>A, p.Gly2061Arg (NM_001127487.2); short protein forms G2061R, G2094R.
Identifiers: ClinVar variation 958918 (VCV000958918.12), dbSNP rs188476936, ClinGen allele CA4475931.
Genomic context (GRCh38, chr7:128,853,540, plus strand): 5'-TTGGGGCTGAGTATTGAAGGCCCAAGCAAGGTGGACATCAACTGTGAGGACATGGAGGAC[G>A]GGACATGCAAAGTCACCTACTGCCCCACCGAGCCCGGCACCTACATCATCAACATCAAGT-3'
Protein context (NP_001449.3, residues 2084-2104): VDINCEDMED[Gly2094Arg]TCKVTYCPTE

ClinVar aggregate classification (germline): Conflicting classifications of pathogenicity. Review status: criteria provided, conflicting classifications (1 of 4 stars). 3 submissions from 3 submitters: Uncertain significance (2); Likely benign (1). Last evaluated 2025-11-08.

Conditions:
Hypertrophic cardiomyopathy 26. Also called: Cardiomyopathy, familial hypertrophic, 26. Identifiers: Orphanet 75249, MedGen C4310749, MONDO:0014883, OMIM 617047.
Myofibrillar myopathy 5. Also called: FILAMINOPATHY, AUTOSOMAL DOMINANT; Filaminopathy (type). Identifiers: Orphanet 171445, MedGen C1836050, MONDO:0012289, OMIM 609524.
Distal myopathy with posterior leg and anterior hand involvement. Also called: WILLIAMS DISTAL MYOPATHY. Identifiers: Orphanet 63273, MedGen C3279722, MONDO:0013550, OMIM 614065.
Cardiovascular phenotype. Identifiers: MedGen CN230736.

Allele frequency attached by ClinVar (database versions not stated): gnomAD 0.00002 and 0.00003; TOPMed 0.00002; ExAC 0.00003; gnomAD exomes 0.00006; 1000 Genomes Project 30x 0.00016; 1000 Genomes Project 0.00020.
gnomAD v4.1: 27 of 1,614,108 alleles (0.0017%); highest among the groups gnomAD compares: East Asian, 0.029%; no homozygotes.

Submissions (3):

Labcorp Genetics (formerly Invitae), Labcorp
Classification: Likely benign for Distal myopathy with posterior leg and anterior hand involvement; Myofibrillar myopathy 5; Hypertrophic cardiomyopathy 26. Last evaluated: 2025-11-08. Review status: criteria provided, single submitter. Criteria: Invitae Variant Classification Sherloc (09022015). Collection method: clinical testing. Allele origin: germline.

Ambry Genetics
Classification: Uncertain significance for Cardiovascular phenotype. Last evaluated: 2024-01-24. Review status: criteria provided, single submitter. Criteria: Ambry Variant Classification Scheme 2023. Collection method: clinical testing. Allele origin: germline.

GeneDx
Classification: Uncertain significance. Last evaluated: 2019-05-09. Review status: criteria provided, single submitter. Criteria: GeneDx Variant Classification Process June 2021. Collection method: clinical testing. Allele origin: germline. Affected: yes.
Comment: Has not been previously published as pathogenic or benign to our knowledge; In silico analysis, which includes protein predictors and evolutionary conservation, supports a deleterious effect